The following is an entry in ClinVar:

NM_005560.6(LAMA5):c.5922C>T (p.Asn1974=)

Gene: LAMA5 (laminin subunit alpha 5; minus strand). Cytogenetic location: 20q13.33.
Variant type: single nucleotide variant.
Coding change: c.5922C>T on transcript NM_005560.6 (MANE Select); coding-DNA position 5922, C replaced by T.
Protein change: p.Asn1974=; no amino-acid change (asparagine 1974 retained).
Molecular consequence: synonymous variant.
Genome position (GRCh38, 1-based): chr20:62,323,598, G>A on the plus strand (C>T on the coding strand, the complement: LAMA5 is on the minus strand). VCF-style: chr20-62323598-G-A. GRCh37 (hg19) VCF-style: chr20-60898654-G-A.
Other names: p.Asn1974=.
Identifiers: ClinVar variation 1609555 (VCV001609555.10), dbSNP rs11696243, ClinGen allele CA9941965.
Genomic context (GRCh38, chr20:62,323,598, plus strand): 5'-GCAGCCACGGCAGGCGCCCGTCAGGGGGTCGCAGTCGCTGAAGAGCAAGTTGGGGTCACC[G>A]TTGCCGCTGCAGTCGCATGGCTGGCAGGAGCTGCCCAGCACCAGTGGGTTCCCAAAGAAT-3'
Protein context (NP_005551.3, residues 1964-1984): SSCQPCDCSG[Asn1974=]GDPNLLFSDC

ClinVar aggregate classification (germline): Benign. Review status: criteria provided, multiple submitters, no conflicts (2 of 4 stars). 3 submissions from 3 submitters: Benign (3). Last evaluated 2026-01-24.

Allele frequency attached by ClinVar (database versions not stated): 1000 Genomes Project 0.01198; 1000 Genomes Project 30x 0.01234; ESP Exome Variant Server 0.02222.
gnomAD v4.1: 46,913 of 1,610,812 alleles (2.9%); highest among the groups gnomAD compares: Non-Finnish European, 3.4%; 793 homozygotes.

Submissions (3):

Labcorp Genetics (formerly Invitae), Labcorp
Classification: Benign. Last evaluated: 2026-01-24. Review status: criteria provided, single submitter. Criteria: Invitae Variant Classification Sherloc (09022015). Collection method: clinical testing. Allele origin: germline.

Mayo Clinic Laboratories, Mayo Clinic
Classification: Benign. Last evaluated: 2023-08-11. Review status: criteria provided, single submitter. Criteria: ACMG Guidelines, 2015. Collection method: clinical testing. Allele origin: germline. Observed: 6 variant alleles.
Comment: BS1, BS2, BP4, BP7

Breakthrough Genomics
Classification: Benign. Review status: criteria provided, single submitter. Criteria: ACMG Guidelines, 2015. Collection method: not provided. Allele origin: germline. Inheritance: Autosomal recessive inheritance. Affected: yes.